The following is an entry in ClinVar:

NM_000540.3(RYR1):c.4620+256C>T

Gene: RYR1 (ryanodine receptor 1; plus strand). Cytogenetic location: 19q13.2.
Variant type: single nucleotide variant.
Coding change: c.4620+256C>T on transcript NM_000540.3 (MANE Select); 256 bases into the intron after coding-DNA position 4620, C replaced by T.
Molecular consequence: intron variant.
Genome position (GRCh38, 1-based): chr19:38,478,856, C>T. VCF-style: chr19-38478856-C-T. GRCh37 (hg19) VCF-style: chr19-38969496-C-T.
Other names: c.4620+256C>T (NM_001042723.2).
Identifiers: ClinVar variation 680758 (VCV000680758.1), dbSNP rs57257936, ClinGen allele CA14688951.

ClinVar aggregate classification (germline): Benign (1 of 4 stars; one submission).

Allele frequency attached by ClinVar (database versions not stated): gnomAD 0.21196 and 0.21384; TOPMed 0.22040; 1000 Genomes Project 0.23562; 1000 Genomes Project 30x 0.24219.
gnomAD v4.1: 32,136 of 152,158 alleles (21%); highest among the groups gnomAD compares: African/African-American, 41%; 4,806 homozygotes.

Submission:

GeneDx
Classification: Benign. Last evaluated: 2018-06-19. Review status: criteria provided, single submitter. Criteria: GeneDx Variant Classification (06012015). Collection method: clinical testing. Allele origin: germline. Affected: yes.
Comment: This variant is considered likely benign or benign based on one or more of the following criteria: it is a conservative change, it occurs at a poorly conserved position in the protein, it is predicted to be benign by multiple in silico algorithms, and/or has population frequency not consistent with disease.